The following is an entry in ClinVar:

ClinVar aggregate classification (germline): Likely benign. Review status: criteria provided, multiple submitters, no conflicts (2 of 4 stars). 2 submissions from 2 submitters: Likely benign (2). Last evaluated 2025-08-22.

Conditions:
Alacrima, achalasia, and impaired intellectual development syndrome. Also called: Alacrima, achalasia, and intellectual disability syndrome; Alacrima, achalasia, and mental retardation syndrome. Identifiers: Orphanet 869, MedGen C4706563, MONDO:0014219, OMIM 615510.

Allele frequency attached by ClinVar (database versions not stated): TOPMed 0.00001; gnomAD 0.00001; ExAC 0.00002; gnomAD exomes 0.00001.

Submissions (2):

Labcorp Genetics (formerly Invitae), Labcorp
Classification: Likely benign for Alacrima, achalasia, and impaired intellectual development syndrome. Last evaluated: 2025-08-22. Review status: criteria provided, single submitter. Criteria: Invitae Variant Classification Sherloc (09022015). Collection method: clinical testing. Allele origin: germline.

GeneDx
Classification: Likely benign. Last evaluated: 2017-09-15. Review status: criteria provided, single submitter. Criteria: GeneDx Variant Classification (06012015). Collection method: clinical testing. Allele origin: germline. Affected: yes.
Comment: This variant is considered likely benign or benign based on one or more of the following criteria: it is a conservative change, it occurs at a poorly conserved position in the protein, it is predicted to be benign by multiple in silico algorithms, and/or has population frequency not consistent with disease.

NM_013335.4(GMPPA):c.873G>A (p.Pro291=)

Genes: ASIC4-AS1 (ASIC4 antisense RNA 1; minus strand), GMPPA (GDP-mannose pyrophosphorylase A; plus strand). Cytogenetic location: 2q35.
Variant type: single nucleotide variant.
Coding change: c.873G>A on transcript NM_013335.4 (MANE Select); coding-DNA position 873, G replaced by A.
Protein change: p.Pro291=; no amino-acid change (proline 291 retained).
Molecular consequence: synonymous variant.
Genome position (GRCh38, 1-based): chr2:219,505,734, G>A. VCF-style: chr2-219505734-G-A. GRCh37 (hg19) VCF-style: chr2-220370456-G-A.
Other names: c.873G>A, p.Pro291= (NM_205847.3).
Identifiers: ClinVar variation 511695 (VCV000511695.2), dbSNP rs769745264, ClinGen allele CA2128334.
Genomic context (GRCh38, chr2:219,505,734, plus strand): 5'-GTTTGGGATATTTGCCCCCAGGGCCTCTCTTCTGCTTCTAGGGAATGTGTACATCCACCC[G>A]ACCGCCAAGGTGGCCCCCTCGGCTGTGGTGAGCACTGGTCCCAGCCCCAGGGAGGGAAGG-3'
Protein context (NP_037467.2, residues 281-301): PWIRGNVYIH[Pro291=]TAKVAPSAVL